The following is an entry in ClinVar:

NM_000439.5(PCSK1):c.270A>G (p.Leu90=)

Genes: CAST (calpastatin; plus strand), PCSK1 (proprotein convertase subtilisin/kexin type 1; minus strand), LOC101929710 (uncharacterized LOC101929710; plus strand). Cytogenetic location: 5q15.
Variant type: single nucleotide variant.
Coding change: c.270A>G on transcript NM_000439.5 (MANE Select); coding-DNA position 270, A replaced by G.
Protein change: p.Leu90=; no amino-acid change (leucine 90 retained).
Molecular consequence: synonymous variant.
Genome position (GRCh38, 1-based): chr5:96,429,228, T>C on the plus strand (A>G on the coding strand, the complement: PCSK1 is on the minus strand). VCF-style: chr5-96429228-T-C. GRCh37 (hg19) VCF-style: chr5-95764932-T-C.
Other names: c.129A>G, p.Leu43= (NM_001177875.2).
Identifiers: ClinVar variation 710324 (VCV000710324.33), dbSNP rs143280562, ClinGen allele CA3350546.

ClinVar aggregate classification (germline): Likely benign. Review status: criteria provided, multiple submitters, no conflicts (2 of 4 stars). 4 submissions from 4 submitters: Likely benign (3). 1 of the submissions does not count toward it. Last evaluated 2026-08-01.

Conditions:
PCSK1-related disorder. Also called: PCSK1-related condition.

Allele frequency attached by ClinVar (database versions not stated): 1000 Genomes Project 0.00020; ExAC 0.00027; 1000 Genomes Project 30x 0.00031; ESP Exome Variant Server 0.00031; TOPMed 0.00031; gnomAD 0.00041 and 0.00043; gnomAD exomes 0.00041.
gnomAD v4.1: 742 of 1,544,378 alleles (0.048%); highest among the groups gnomAD compares: Non-Finnish European, 0.056%; 1 homozygote.

Submissions (4):

CeGaT Center for Human Genetics Tuebingen
Classification: Likely benign. Last evaluated: 2026-08-01. Review status: criteria provided, single submitter. Criteria: CeGaT Center For Human Genetics Tuebingen Variant Classification Criteria Version 2. Collection method: clinical testing. Allele origin: germline. Affected: yes. Observed: 4 variant alleles.
Comment: PCSK1: BP4, BP7

Labcorp Genetics (formerly Invitae), Labcorp
Classification: Likely benign. Last evaluated: 2026-01-18. Review status: criteria provided, single submitter. Criteria: Invitae Variant Classification Sherloc (09022015). Collection method: clinical testing. Allele origin: germline.

Genetic Services Laboratory, University of Chicago
Classification: Likely benign. Last evaluated: 2018-02-21. Review status: criteria provided, single submitter. Criteria: ACMG Guidelines, 2015. Collection method: clinical testing. Allele origin: germline. Affected: no.

PreventionGenetics, part of Exact Sciences
Classification: Likely benign for PCSK1-related condition. Last evaluated: 2024-01-22. Review status: no assertion criteria provided. Collection method: clinical testing. Allele origin: germline. Not counted in ClinVar's aggregate classification.
Comment: This variant is classified as likely benign based on ACMG/AMP sequence variant interpretation guidelines (Richards et al. 2015 PMID: 25741868, with internal and published modifications).